The following is an entry in ClinVar:

ClinVar aggregate classification (germline): Uncertain significance. Review status: criteria provided, multiple submitters, no conflicts (2 of 4 stars). 5 submissions from 5 submitters: Uncertain significance (5). Last evaluated 2026-05-06.

Conditions:
DST-related disorder. Also called: DST-related disorders; DST-related condition.
Epidermolysis bullosa simplex 3, localized or generalized intermediate, with BP230 deficiency (EBS3). Also called: Epidermolysis bullosa simplex due to BP230 deficiency; Epidermolysis bullosa simplex, autosomal recessive 2. Identifiers: Orphanet 412181, MedGen C3809470, MONDO:0014180, OMIM 615425.
Hereditary sensory and autonomic neuropathy type 6. Also called: Neuropathy, hereditary sensory and autonomic, type VI; HSAN VI. Identifiers: Orphanet 314381, MedGen C3539003, MONDO:0013839, OMIM 614653.

Allele frequency attached by ClinVar (database versions not stated): gnomAD exomes 0.00017; ExAC 0.00021; gnomAD 0.00023 and 0.00026; TOPMed 0.00025; ESP Exome Variant Server 0.00038.
gnomAD v4.1: 334 of 1,604,628 alleles (0.021%); highest among the groups gnomAD compares: Non-Finnish European, 0.026%; no homozygotes.

Submissions (5):

GeneDx
Classification: Uncertain significance. Last evaluated: 2026-05-06. Review status: criteria provided, single submitter. Criteria: GeneDx Variant Classification Process June 2021. Collection method: clinical testing. Allele origin: germline.
Comment: Has not been previously published as pathogenic or benign to our knowledge; In silico analysis suggests that this missense variant does not alter protein structure/function; Reported using the transcript encoding the epithelial isoform of the gene.

PreventionGenetics, part of Exact Sciences
Classification: Uncertain significance for DST-related condition. Last evaluated: 2025-09-22. Review status: criteria provided, single submitter. Criteria: ACMG Guidelines, 2015. Collection method: clinical testing. Allele origin: germline.
Comment: The DST c.6319C>G variant is predicted to result in the amino acid substitution p.Leu2107Val. To our knowledge, this variant has not been reported in the literature. This variant is reported in 0.036% of alleles in individuals of European (Non-Finnish) descent in gnomAD. At this time, the clinical significance of this variant is uncertain due to the absence of conclusive functional and genetic evidence.

CeGaT Center for Human Genetics Tuebingen
Classification: Uncertain significance. Last evaluated: 2025-03-01. Review status: criteria provided, single submitter. Criteria: CeGaT Center For Human Genetics Tuebingen Variant Classification Criteria Version 2. Collection method: clinical testing. Allele origin: germline. Affected: yes. Observed: 1 variant allele.
Comment: DST: PM2, BP4

Labcorp Genetics (formerly Invitae), Labcorp
Classification: Uncertain significance for Epidermolysis bullosa simplex 3, localized or generalized intermediate, with BP230 deficiency; Hereditary sensory and autonomic neuropathy type 6. Last evaluated: 2022-10-18. Review status: criteria provided, single submitter. Criteria: Invitae Variant Classification Sherloc (09022015). Collection method: clinical testing. Allele origin: germline.
Comment: This sequence change replaces leucine, which is neutral and non-polar, with valine, which is neutral and non-polar, at codon 2107 of the DST protein (p.Leu2107Val). This variant is present in population databases (rs148116284, gnomAD 0.04%). This variant has not been reported in the literature in individuals affected with DST-related conditions. ClinVar contains an entry for this variant (Variation ID: 474538). Algorithms developed to predict the effect of missense changes on protein structure and function are either unavailable or do not agree on the potential impact of this missense change (SIFT: "Deleterious"; PolyPhen-2: "Possibly Damaging"; Align-GVGD: "Class C0"). In summary, the available evidence is currently insufficient to determine the role of this variant in disease. Therefore, it has been classified as a Variant of Uncertain Significance.

Baylor Genetics
Classification: Uncertain significance for Hereditary sensory and autonomic neuropathy type 6. Last evaluated: 2020-06-02. Review status: criteria provided, single submitter. Criteria: ACMG Guidelines, 2015. Collection method: clinical testing. Allele origin: unknown. Affected: yes.
Comment: This variant was determined to be of uncertain significance according to ACMG Guidelines, 2015 [PMID:25741868].

NM_001723.7(DST):c.6319C>G (p.Leu2107Val)

Gene: DST (dystonin; minus strand). Cytogenetic location: 6p12.1.
Variant type: single nucleotide variant.
Coding change: c.6319C>G on transcript NM_001723.7 (MANE Plus Clinical); coding-DNA position 6319, C replaced by G.
Protein change: p.Leu2107Val; replaces leucine 2107 with valine.
Molecular consequence: missense variant. On other transcripts: intron variant (10).
Genome position (GRCh38, 1-based): chr6:56,617,148, G>C on the plus strand (C>G on the coding strand, the complement: DST is on the minus strand). VCF-style: chr6-56617148-G-C. GRCh37 (hg19) VCF-style: chr6-56481946-G-C.
Other names: c.4831-2664C>G (NM_001144769.5); c.4930-2664C>G (NM_001374722.1, NM_001374736.1); c.4957-2664C>G (NM_001374734.1); c.4417-2664C>G (NM_001144770.2); c.4297-2664C>G (NM_001374730.1, NM_001386100.1, NM_183380.4 and 1 more transcripts); c.3319-2664C>G (NM_015548.5); short protein forms L2107V.
Identifiers: ClinVar variation 474538 (VCV000474538.17), dbSNP rs148116284, ClinGen allele CA3870192.